The following is an entry in ClinVar:

NM_001130438.3(SPTAN1):c.6193T>C (p.Ser2065Pro)

Gene: SPTAN1 (spectrin alpha, non-erythrocytic 1; plus strand). Cytogenetic location: 9q34.11.
Variant type: single nucleotide variant.
Coding change: c.6193T>C on transcript NM_001130438.3 (MANE Select); coding-DNA position 6193, T replaced by C.
Protein change: p.Ser2065Pro; replaces serine 2065 with proline.
Molecular consequence: missense variant.
Genome position (GRCh38, 1-based): chr9:128,625,892, T>C. VCF-style: chr9-128625892-T-C. GRCh37 (hg19) VCF-style: chr9-131388171-T-C.
Other names: p.S2065P:TCC>CCC; c.6118T>C, p.Ser2040Pro (NM_001195532.2); c.6193T>C, p.Ser2065Pro (NM_001363759.2); c.6133T>C, p.Ser2045Pro (NM_001363765.2); c.6178T>C, p.Ser2060Pro (NM_003127.4); short protein forms S2065P, S2045P, S2040P, S2060P.
Identifiers: ClinVar variation 207302 (VCV000207302.1), dbSNP rs796053311, ClinGen allele CA318639.
Genomic context (GRCh38, chr9:128,625,892, plus strand): 5'-AAAGATCAGCTTCTCGCCGCCAAACACGTTCAGTCCAAGGCCATCGAGGCCCGGCACGCC[T>C]CCCTCATGAAGAGGTGGAGCCAGCTTCTGGCCAACTCAGCCGCCCGCAAGAAGAAGCTTC-3'
Protein context (NP_001123910.1, residues 2055-2075): QSKAIEARHA[Ser2065Pro]LMKRWSQLLA

ClinVar aggregate classification (germline): Likely benign (1 of 4 stars; one submission).

Submission:

GeneDx
Classification: Likely benign. Last evaluated: 2013-01-03. Review status: criteria provided, single submitter. Criteria: GeneDx Variant Classification (06012015). Collection method: clinical testing. Allele origin: germline. Affected: yes.
Comment: This variant is considered likely benign or benign based on one or more of the following criteria: it is a conservative change, it occurs at a poorly conserved position in the protein, it is predicted to be benign by multiple in silico algorithms, and/or has population frequency not consistent with disease.